The following is an entry in ClinVar:

NM_000481.4(AMT):c.982_983delinsT (p.Ala328fs)

Gene: AMT (aminomethyltransferase; minus strand). Cytogenetic location: 3p21.31.
Variant type: Indel.
Coding change: c.982_983delinsT on transcript NM_000481.4 (MANE Select); coding-DNA positions 982 to 983, GC replaced by T.
Protein change: p.Ala328fs; shifts the reading frame from alanine 328.
Molecular consequence: frameshift variant. On other transcripts: non-coding transcript variant (1).
Genome position (GRCh38, 1-based): chr3:49,417,868-49,417,869, GC replaced by A on the plus strand (GC replaced by T on the coding strand, the reverse complement: AMT is on the minus strand). VCF-style: chr3-49417868-GC-A. GRCh37 (hg19) VCF-style: chr3-49455301-GC-A.
Other names: c.850_851delinsT, p.Ala284fs (NM_001164710.2); c.814_815delinsT, p.Ala272fs (NM_001164711.2); c.982_983delinsT, p.Ala328fs (NM_001164712.2); c.982_983delGCinsT (NM_000481.3); c.982_983delinsT (NM_000481.3); short protein forms A272fs, A328fs, A284fs.
Identifiers: ClinVar variation 56241 (VCV000056241.4), dbSNP rs386833692, ClinGen allele CA263592.

ClinVar aggregate classification (germline): Likely pathogenic. Review status: criteria provided, multiple submitters, no conflicts (2 of 4 stars). 3 submissions from 3 submitters: Likely pathogenic (2). 1 of the submissions does not count toward it. Last evaluated 2023-02-13.

Conditions:
Glycine encephalopathy. Also called: Nonketotic hyperglycinemia; Non-ketotic hyperglycinemia. Identifiers: Orphanet 407, MedGen C0751748, MONDO:0011612, HP:0008288.

Submissions (3):

Women's Health and Genetics/Laboratory Corporation of America, LabCorp
Classification: Likely pathogenic for Glycine encephalopathy. Last evaluated: 2023-02-13. Review status: criteria provided, single submitter. Criteria: LabCorp Variant Classification Summary - May 2015. Collection method: clinical testing. Allele origin: germline.
Comment: Variant summary: AMT c.982_983delinsT (p.Ala328SerfsX10) results in a premature termination codon, predicted to cause a truncation of the encoded protein or absence of the protein due to nonsense mediated decay, which are commonly known mechanisms for disease. Truncations downstream of this position have been classified as pathogenic within ClinVar (e.g. c.1209del [p.Lys403fs], c.996dup [p.His333fs]). The variant was absent in 251188 control chromosomes (gnomAD). c.982_983delinsT has been reported in the literature in at least one compound heterozygous individual affected with Glycine Encephalopathy (Non-Ketotic Hyperglycinemia, Kure_2006). These data do not allow any conclusion about variant significance. To our knowledge, no experimental evidence demonstrating an impact on protein function has been reported. One ClinVar submitter has assessed the variant since 2014: the variant was classified as likely pathogenic. Based on the evidence outlined above, the variant was classified as likely pathogenic.

Fulgent Genetics
Classification: Likely pathogenic for Glycine encephalopathy 1. Last evaluated: 2022-01-12. Review status: criteria provided, single submitter. Criteria: ACMG Guidelines, 2015. Collection method: clinical testing. Allele origin: unknown.

Juha Muilu Group; Institute for Molecular Medicine Finland (FIMM)
Classification: Likely pathogenic for Non-ketotic hyperglycinemia. Review status: no assertion criteria provided. Collection method: not provided. Allele origin: unknown. Not counted in ClinVar's aggregate classification.
Comment: FinDis database variant: This variant was not found or characterized by our laboratory, data were collected from public sources: see reference
ClinVar note: Converted during submission from probable-pathogenic to Likely pathogenic.

Literature cited by the submitters: PubMed 16450403 (cited by Women's Health and Genetics/Laboratory Corporation of America, LabCorp).